The following is an entry in ClinVar:

NM_000018.4(ACADVL):c.947G>A (p.Arg316Gln)

Gene: ACADVL (acyl-CoA dehydrogenase very long chain; plus strand). Cytogenetic location: 17p13.1.
Variant type: single nucleotide variant.
Coding change: c.947G>A on transcript NM_000018.4 (MANE Select); coding-DNA position 947, G replaced by A.
Protein change: p.Arg316Gln; replaces arginine 316 with glutamine.
Molecular consequence: missense variant.
Genome position (GRCh38, 1-based): chr17:7,222,735, G>A. VCF-style: chr17-7222735-G-A. GRCh37 (hg19) VCF-style: chr17-7126054-G-A.
Other names: p.R316Q:CGG>CAG; c.881G>A, p.Arg294Gln (NM_001033859.3); c.1016G>A, p.Arg339Gln (NM_001270447.2); c.719G>A, p.Arg240Gln (NM_001270448.2); short protein forms R316Q, R240Q, R294Q, R339Q.
Identifiers: ClinVar variation 203577 (VCV000203577.27), dbSNP rs147366714, ClinGen allele CA312260.

ClinVar aggregate classification (germline): Conflicting classifications of pathogenicity. Review status: criteria provided, conflicting classifications (1 of 4 stars). 10 submissions from 10 submitters: Pathogenic (1); Likely pathogenic (2); Uncertain significance (6). 1 of the submissions does not count toward it. Last evaluated 2026-01-14.

Conditions:
ACADVL-related disorder. Also called: ACADVL-related condition.
Very long chain acyl-CoA dehydrogenase deficiency (ACADVLD). Also called: Very Long-Chain Acyl-Coenzyme A Dehydrogenase Deficiency; VLCAD Deficiency. Identifiers: Orphanet 26793, MedGen C3887523, MONDO:0008723, OMIM 201475.

Allele frequency attached by ClinVar (database versions not stated): ExAC 0.00003; TOPMed 0.00005; gnomAD 0.00006 and 0.00007; ESP Exome Variant Server 0.00015.

Submissions (10):

Labcorp Genetics (formerly Invitae), Labcorp
Classification: Pathogenic for Very long chain acyl-CoA dehydrogenase deficiency. Last evaluated: 2026-01-14. Review status: criteria provided, single submitter. Criteria: Invitae Variant Classification Sherloc (09022015). Collection method: clinical testing. Allele origin: germline.
Comment: This sequence change replaces arginine, which is basic and polar, with glutamine, which is neutral and polar, at codon 316 of the ACADVL protein (p.Arg316Gln). This variant is present in population databases (rs147366714, gnomAD 0.006%). This missense change has been observed in individual(s) with clinical features of very long-chain acyl-CoA dehydrogenase deficiency (internal data). In at least one individual the data is consistent with being in trans (on the opposite chromosome) from a pathogenic variant. ClinVar contains an entry for this variant (Variation ID: 203577). Invitae Evidence Modeling of protein sequence and biophysical properties (such as structural, functional, and spatial information, amino acid conservation, physicochemical variation, residue mobility, and thermodynamic stability) indicates that this missense variant is not expected to disrupt ACADVL protein function with a negative predictive value of 80%. For these reasons, this variant has been classified as Pathogenic.

PreventionGenetics, part of Exact Sciences
Classification: Uncertain significance for ACADVL-related condition. Last evaluated: 2025-08-06. Review status: criteria provided, single submitter. Criteria: ACMG Guidelines, 2015. Collection method: clinical testing. Allele origin: germline.
Comment: The ACADVL c.947G>A variant is predicted to result in the amino acid substitution p.Arg316Gln. This variant has been reported as a variant of uncertain significance in 3 alleles from a cohort of patients with positive newborn screen for very long chain acyl-coA dehydrogenase (Miller et al. 2015. PubMed ID: 26385305). This variant is reported in 0.0047% of alleles in individuals of European (Non-Finnish) descent in gnomAD. At this time, the clinical significance of this variant is uncertain due to the absence of conclusive functional and genetic evidence.

Fulgent Genetics
Classification: Likely pathogenic for Very long chain acyl-CoA dehydrogenase deficiency. Last evaluated: 2024-05-16. Review status: criteria provided, single submitter. Criteria: ACMG Guidelines, 2015. Collection method: clinical testing. Allele origin: germline.

Baylor Genetics
Classification: Likely pathogenic for Very long chain acyl-CoA dehydrogenase deficiency. Last evaluated: 2024-03-29. Review status: criteria provided, single submitter. Criteria: ACMG Guidelines, 2015. Collection method: clinical testing. Allele origin: unknown.

ARUP Laboratories, Molecular Genetics and Genomics, ARUP Laboratories
Classification: Uncertain significance for Very long chain acyl-CoA dehydrogenase deficiency. Last evaluated: 2023-11-02. Review status: criteria provided, single submitter. Criteria: ARUP Molecular Germline Variant Investigation Process 2024. Collection method: clinical testing. Allele origin: germline.
Comment: The ACADVL c.947G>A; p.Arg316Gln variant (rs147366714) is not reported in the medical literature but is reported in ClinVar (Variation ID: 203577). This variant is found in the non-Finnish European population with an allele frequency of 0.005% (6/129026 alleles), in the Genome Aggregation Database. The arginine at codon 316 is moderately conserved, and computational analyses are uncertain whether this variant is neutral or deleterious (REVEL: 0.359). Due to limited information, the clinical significance of the p.Arg316Gln variant is uncertain at this time.

Victorian Clinical Genetics Services, Murdoch Childrens Research Institute
Classification: Uncertain significance for Very long chain acyl-CoA dehydrogenase deficiency. Last evaluated: 2020-06-11. Review status: criteria provided, single submitter. Criteria: ACMG Guidelines, 2015. Collection method: clinical testing. Allele origin: germline. Inheritance: Autosomal recessive inheritance.
Comment: Based on the classification scheme VCGS_Germline_v1.1.1, this variant is classified as 3B-VUS. The following criteria are met: 0102 - Loss-of-function is a known mechanism of disease for this gene. (N) 0106 - This gene is known to be associated with autosomal recessive disease. (N) 0200 - Variant is predicted to result in a missense amino acid change from arginine to glutamine (Exon 10). (N) 0251 - Variant is heterozygous. (N) 0304 - Variant is present in gnomAD v3 <0.01 for a recessive condition (9 Heterozygotes, 0 Homozygotes). (P) 0309 - Alternative amino acid change at the same position has been observed in gnomAD (6 heterozygotes, 0 homozygotes). (N) 0504 - Same amino acid change has been observed in mammals. (B) 0600 - Variant is located in an annotated domain or motif. The variant is in the Acyl-CoA dehydrogenase, middle domain (Protein Data Bank). (N) 0705 - No comparable variants have previous evidence for pathogenicity. (N) 0804 - Variant is in the population at low frequency and has previously been described as variant of uncertain significance in multiple independent cases with consistent phenotype (ClinVar and PMID: 26385305) (N) 0905 - No segregation evidence has been identified for this variant. (N) 1007 - No published functional evidence has been identified for this variant. (N) 1201 - Heterozygous variant detected in trans with a second (at least likely) pathogenic heterozygous variant in a recessive disease. (N) Legend: (P) - Pathogenic, (N) - Neutral, (B) - Benign

Wong Mito Lab, Molecular and Human Genetics, Baylor College of Medicine
Classification: Uncertain significance for Very long chain acyl-CoA dehydrogenase deficiency. Last evaluated: 2019-11-01. Review status: criteria provided, single submitter. Criteria: ACMG Guidelines, 2015. Collection method: clinical testing. Allele origin: germline.
Comment: The NM_000018.3:c.947G>A (NP_000009.1:p.Arg316Gln) [GRCH38: NC_000017.11:g.7222735G>A] variant in ACADVL gene is interpretated to be Uncertain Significance based on ACMG guidelines (PMID: 25741868). This variant has been reported. This variant dose not meet any evidence codes reported in the ACMG guidelines.

Illumina Laboratory Services, Illumina
Classification: Uncertain significance for Very long chain acyl-CoA dehydrogenase deficiency. Last evaluated: 2018-01-12. Review status: criteria provided, single submitter. Criteria: ICSL Variant Classification Criteria 13 December 2019. Collection method: clinical testing. Allele origin: germline.

GeneDx
Classification: Uncertain significance. Last evaluated: 2016-07-21. Review status: criteria provided, single submitter. Criteria: GeneDx Variant Classification (06012015). Collection method: clinical testing. Allele origin: germline. Affected: yes.
Comment: The R316Q variant has not been published as a pathogenic variant, nor has it been reported as a benign variant to our knowledge. The R316Q variant is a semi-conservative amino acid substitution, which may impact secondary protein structure as these residues differ in some properties. This substitution occurs at a position that is not conserved. In silico analysis is inconsistent in its predictions as to whether or not the variant is damaging to the protein structure/function. Therefore, based on the currently available information, it is unclear whether this variant is a pathogenic variant or a rare benign variant.

Natera, Inc.
Classification: Uncertain significance for Very long chain acyl-CoA dehydrogenase deficiency. Last evaluated: 2020-09-16. Review status: no assertion criteria provided. Collection method: clinical testing. Allele origin: germline. Not counted in ClinVar's aggregate classification.

Literature cited by the submitters: PubMed 26385305 (cited by Victorian Clinical Genetics Services, Murdoch Childrens Research Institute).